The following is an entry in ClinVar:

NM_058195.4(CDKN2A):c.34C>G (p.Arg12Gly)

Gene: CDKN2A (cyclin dependent kinase inhibitor 2A; minus strand). Cytogenetic location: 9p21.3.
Variant type: single nucleotide variant.
Coding change: c.34C>G on transcript NM_058195.4 (MANE Plus Clinical); coding-DNA position 34, C replaced by G.
Protein change: p.Arg12Gly; replaces arginine 12 with glycine.
Molecular consequence: missense variant. On other transcripts: intron variant (1).
Genome position (GRCh38, 1-based): chr9:21,994,298, G>C on the plus strand (C>G on the coding strand, the complement: CDKN2A is on the minus strand). VCF-style: chr9-21994298-G-C. GRCh37 (hg19) VCF-style: chr9-21994297-G-C.
Other names: c.-4+523C>G (NM_001363763.2); short protein forms R12G.
Identifiers: ClinVar variation 823853 (VCV000823853.11), dbSNP rs1587358659, ClinGen allele CA373087073.

ClinVar aggregate classification (germline): Uncertain significance. Review status: criteria provided, multiple submitters, no conflicts (2 of 4 stars). 3 submissions from 3 submitters: Uncertain significance (3). Last evaluated 2025-08-27.

Conditions:
Hereditary cancer-predisposing syndrome. Also called: Tumor predisposition; Neoplastic Syndromes, Hereditary; Hereditary Cancer Syndrome; Hereditary neoplastic syndrome. Identifiers: Orphanet 140162, MedGen C0027672, MeSH D009386, MONDO:0015356.
Familial melanoma. Also called: Hereditary melanoma; Hereditary cutaneous melanoma. Identifiers: Orphanet 618, MedGen C1512419, MONDO:0018961.
CDKN2A-related disorder. Also called: CDKN2A-related condition.

Submissions (3):

PreventionGenetics, part of Exact Sciences
Classification: Uncertain significance for CDKN2A-related condition. Last evaluated: 2025-08-27. Review status: criteria provided, single submitter. Criteria: ACMG Guidelines, 2015. Collection method: clinical testing. Allele origin: germline.
Comment: The CDKN2A c.34C>G variant is predicted to result in the amino acid substitution p.Arg12Gly. To our knowledge, this variant has not been reported in the literature or in a large population database (gnomAD), indicating this variant is rare. This variant is reported as uncertain in ClinVar (Variation ID: 823853). At this time, the clinical significance of this variant is uncertain due to the absence of conclusive functional and genetic evidence.

Labcorp Genetics (formerly Invitae), Labcorp
Classification: Uncertain significance for Familial melanoma. Last evaluated: 2021-07-14. Review status: criteria provided, single submitter. Criteria: Invitae Variant Classification Sherloc (09022015). Collection method: clinical testing. Allele origin: germline.

Ambry Genetics
Classification: Uncertain significance for Hereditary cancer-predisposing syndrome. Last evaluated: 2019-11-12. Review status: criteria provided, single submitter. Criteria: Ambry Variant Classification Scheme 2023. Collection method: clinical testing. Allele origin: germline.
Comment: The p.R12G variant (also known as c.34C>G), located in coding exon 1 of the CDKN2A gene, results from a C to G substitution at nucleotide position 34. The arginine at codon 12 is replaced by glycine, an amino acid with dissimilar properties. This amino acid position is well conserved on limited sequence alignment. In addition, the in silico prediction for this alteration is inconclusive. Since supporting evidence is limited at this time, the clinical significance of this alteration remains unclear.